The following is an entry in ClinVar:

ClinVar aggregate classification (germline): Uncertain significance (1 of 4 stars; one submission).

Allele frequency attached by ClinVar (database versions not stated): gnomAD exomes below 0.00001 and 0.00001; ExAC 0.00001; gnomAD 0.00001.
gnomAD v4.1: 6 of 1,612,828 alleles (0.00037%); highest among the groups gnomAD compares: South Asian, 0.0055%; no homozygotes.

Submission:

Labcorp Genetics (formerly Invitae), Labcorp
Classification: Uncertain significance. Last evaluated: 2021-01-04. Review status: criteria provided, single submitter. Criteria: Invitae Variant Classification Sherloc (09022015). Collection method: clinical testing. Allele origin: germline.
Comment: In summary, the available evidence is currently insufficient to determine the role of this variant in disease. Therefore, it has been classified as a Variant of Uncertain Significance. Algorithms developed to predict the effect of missense changes on protein structure and function are either unavailable or do not agree on the potential impact of this missense change (SIFT: "Deleterious"; PolyPhen-2: "Possibly Damaging"; Align-GVGD: "Class C0"). This variant has not been reported in the literature in individuals with RBP3-related conditions. This variant is present in population databases (rs782184079, ExAC 0.006%). This sequence change replaces aspartic acid with glycine at codon 678 of the RBP3 protein (p.Asp678Gly). The aspartic acid residue is highly conserved and there is a moderate physicochemical difference between aspartic acid and glycine.

NM_002900.3(RBP3):c.2033A>G (p.Asp678Gly)

Gene: RBP3 (retinol binding protein 3; plus strand). Cytogenetic location: 10q11.22.
Variant type: single nucleotide variant.
Coding change: c.2033A>G on transcript NM_002900.3 (MANE Select); coding-DNA position 2033, A replaced by G.
Protein change: p.Asp678Gly; replaces aspartic acid 678 with glycine.
Molecular consequence: missense variant.
Genome position (GRCh38, 1-based): chr10:47,350,517, A>G. VCF-style: chr10-47350517-A-G. GRCh37 (hg19) VCF-style: chr10-48388845-T-C.
Other names: short protein forms D678G.
Identifiers: ClinVar variation 1500159 (VCV001500159.6), dbSNP rs782184079, ClinGen allele CA5487372.